The following is an entry in ClinVar:

NM_004304.5(ALK):c.2668C>T (p.Leu890Phe)

Gene: ALK (ALK receptor tyrosine kinase; minus strand). Cytogenetic location: 2p23.2.
Variant type: single nucleotide variant.
Coding change: c.2668C>T on transcript NM_004304.5 (MANE Select); coding-DNA position 2668, C replaced by T.
Protein change: p.Leu890Phe; replaces leucine 890 with phenylalanine.
Molecular consequence: missense variant.
Genome position (GRCh38, 1-based): chr2:29,229,031, G>A on the plus strand (C>T on the coding strand, the complement: ALK is on the minus strand). VCF-style: chr2-29229031-G-A. GRCh37 (hg19) VCF-style: chr2-29451897-G-A.
Other names: short protein forms L890F.
Identifiers: ClinVar variation 3855088 (VCV003855088.1).
Genomic context (GRCh38, chr2:29,229,031, plus strand): 5'-TGGCCTGGGGGCAGGAATGTCCTCCGGTGGCACCCTCCTGCAAAGATTTTCCGGCCCAGA[G>A]CAAGGAAGTGTTATCATTCCAGCCACCTCCACCACCTGCGGGAAGAGATAGGGAACCTGC-3'
Protein context (NP_004295.2, residues 880-900): GGGWNDNTSL[Leu890Phe]WAGKSLQEGA

ClinVar aggregate classification (germline): Uncertain significance (1 of 4 stars; one submission).

Conditions:
Hereditary cancer-predisposing syndrome. Also called: Hereditary neoplastic syndrome; Neoplastic Syndromes, Hereditary; Tumor predisposition; Hereditary Cancer Syndrome. Identifiers: Orphanet 140162, MedGen C0027672, MeSH D009386, MONDO:0015356.

gnomAD v4.1: 2 of 1,612,846 alleles (0.00012%); highest among the groups gnomAD compares: South Asian, 0.0011%; no homozygotes.

Submission:

Ambry Genetics
Classification: Uncertain significance for Hereditary cancer-predisposing syndrome. Last evaluated: 2024-12-28. Review status: criteria provided, single submitter. Criteria: Ambry Variant Classification Scheme 2023. Collection method: clinical testing. Allele origin: germline.
Comment: The p.L890F variant (also known as c.2668C>T), located in coding exon 16 of the ALK gene, results from a C to T substitution at nucleotide position 2668. The leucine at codon 890 is replaced by phenylalanine, an amino acid with highly similar properties. This amino acid position is conserved. In addition, this alteration is predicted to be tolerated by in silico analysis. Based on the available evidence, the clinical significance of this variant remains unclear.